The following is an entry in ClinVar:

NM_001173467.3(SP7):c.865C>A (p.Arg289=)

Gene: SP7 (Sp7 transcription factor; minus strand). Cytogenetic location: 12q13.13.
Variant type: single nucleotide variant.
Coding change: c.865C>A on transcript NM_001173467.3 (MANE Select); coding-DNA position 865, C replaced by A.
Protein change: p.Arg289=; no amino-acid change (arginine 289 retained).
Molecular consequence: synonymous variant.
Genome position (GRCh38, 1-based): chr12:53,328,577, G>T on the plus strand (C>A on the coding strand, the complement: SP7 is on the minus strand). VCF-style: chr12-53328577-G-T. GRCh37 (hg19) VCF-style: chr12-53722361-G-T.
Other names: c.811C>A, p.Arg271= (NM_001300837.2); c.865C>A, p.Arg289= (NM_152860.2).
Identifiers: ClinVar variation 3385317 (VCV003385317.1).

ClinVar aggregate classification (germline): Likely benign (1 of 4 stars; one submission).

Submission:

Women's Health and Genetics/Laboratory Corporation of America, LabCorp
Classification: Likely benign. Last evaluated: 2024-10-14. Review status: criteria provided, single submitter. Criteria: LabCorp Variant Classification Summary - May 2015. Collection method: clinical testing. Allele origin: germline.
Comment: Variant summary: SP7 c.865C>A alters a non-conserved nucleotide resulting in a synonymous change. Consensus agreement among computation tools predict no significant impact on normal splicing. However, these predictions have yet to be confirmed by functional studies. The variant was absent in 244350 control chromosomes. The available data on variant occurrences in the general population are insufficient to allow any conclusion about variant significance. To our knowledge, no occurrence of c.865C>A in individuals affected with Osteogenesis Imperfecta Type 12 and no experimental evidence demonstrating its impact on protein function have been reported. No submitters have cited clinical-significance assessments for this variant to ClinVar. Based on the evidence outlined above, the variant was classified as likely benign.